The following is an entry in ClinVar:

ClinVar aggregate classification (germline): Uncertain significance (1 of 4 stars; one submission).

Conditions:
Immunodeficiency 51 (IMD51). Also called: CANDIDIASIS, FAMILIAL, 5. Identifiers: Orphanet 1334, MedGen C4310803, MONDO:0013500, OMIM 613953.

Submission:

Labcorp Genetics (formerly Invitae), Labcorp
Classification: Uncertain significance for Immunodeficiency 51. Last evaluated: 2022-09-19. Review status: criteria provided, single submitter. Criteria: Invitae Variant Classification Sherloc (09022015). Collection method: clinical testing. Allele origin: germline.
Comment: In summary, the available evidence is currently insufficient to determine the role of this variant in disease. Therefore, it has been classified as a Variant of Uncertain Significance. Advanced modeling of protein sequence and biophysical properties (such as structural, functional, and spatial information, amino acid conservation, physicochemical variation, residue mobility, and thermodynamic stability) performed at Invitae indicates that this missense variant is not expected to disrupt IL17RA protein function. This variant has not been reported in the literature in individuals affected with IL17RA-related conditions. This variant is not present in population databases (gnomAD no frequency). This sequence change replaces glutamine, which is neutral and polar, with lysine, which is basic and polar, at codon 86 of the IL17RA protein (p.Gln86Lys).

NM_014339.7(IL17RA):c.256C>A (p.Gln86Lys)

Gene: IL17RA (interleukin 17 receptor A; plus strand). Cytogenetic location: 22q11.1.
Variant type: single nucleotide variant.
Coding change: c.256C>A on transcript NM_014339.7 (MANE Select); coding-DNA position 256, C replaced by A.
Protein change: p.Gln86Lys; replaces glutamine 86 with lysine.
Molecular consequence: missense variant.
Genome position (GRCh38, 1-based): chr22:17,097,889, C>A. VCF-style: chr22-17097889-C-A. GRCh37 (hg19) VCF-style: chr22-17578779-C-A.
Other names: c.256C>A, p.Gln86Lys (NM_001289905.2); short protein forms Q86K.
Identifiers: ClinVar variation 2053412 (VCV002053412.4), dbSNP rs2517159011, ClinGen allele CA410211118.